The following is an entry in ClinVar:

NM_000038.6(APC):c.7939del (p.Met2647fs)

Gene: APC (APC regulator of Wnt signaling pathway; plus strand). Cytogenetic location: 5q22.2.
Variant type: Deletion.
Coding change: c.7939del on transcript NM_000038.6 (MANE Select); coding-DNA position 7939, one base deleted (A; older notation c.7939delA).
Protein change: p.Met2647fs; shifts the reading frame from methionine 2647.
Molecular consequence: frameshift variant.
Genome position (GRCh38, 1-based): chr5:112,843,533, A deleted; the last of 3 consecutive A bases (chr5:112,843,531-112,843,533); deleting any one gives the same sequence. VCF-style (leftmost placement, unchanged base first): chr5-112843530-CA-C. GRCh37 (hg19) VCF-style: chr5-112179227-CA-C.
Other names: c.7939del, p.Met2647fs (NM_001127510.3, NM_001354895.2); c.7885del, p.Met2629fs (NM_001127511.3); c.7993del, p.Met2665fs (NM_001354896.2); c.7969del, p.Met2657fs (NM_001354897.2); c.7864del, p.Met2622fs (NM_001354898.2); c.7855del, p.Met2619fs (NM_001354899.2); c.7816del, p.Met2606fs (NM_001354900.2); c.7762del, p.Met2588fs (NM_001354901.2); and 16 more; short protein forms M2521fs, M2606fs, M2619fs, M2657fs, M2665fs, M2364fs, M2556fs, M2629fs.
Identifiers: ClinVar variation 1761305 (VCV001761305.2), dbSNP rs2533831117, ClinGen allele CA2580072446.

ClinVar aggregate classification (germline): Pathogenic (1 of 4 stars; one submission).

Conditions:
Hereditary cancer-predisposing syndrome. Also called: Neoplastic Syndromes, Hereditary; Tumor predisposition; Hereditary Cancer Syndrome; Hereditary neoplastic syndrome. Identifiers: Orphanet 140162, MedGen C0027672, MeSH D009386, MONDO:0015356.

Submission:

Ambry Genetics
Classification: Pathogenic for Hereditary cancer-predisposing syndrome. Last evaluated: 2017-09-27. Review status: criteria provided, single submitter. Criteria: Ambry Variant Classification Scheme 2023. Collection method: clinical testing. Allele origin: germline.
Comment: The c.7939delA pathogenic mutation, located in coding exon 15 of the APC gene, results from a deletion of one nucleotide at nucleotide position 7939, causing a translational frameshift with a predicted alternate stop codon (p.M2647Wfs*13). This alteration is expected to result in loss of function by premature protein truncation. As such, this alteration is interpreted as a disease-causing mutation.